The following is an entry in ClinVar:

NM_004655.4(AXIN2):c.683T>C (p.Leu228Ser)

Gene: AXIN2 (axin 2; minus strand). Cytogenetic location: 17q24.1.
Variant type: single nucleotide variant.
Coding change: c.683T>C on transcript NM_004655.4 (MANE Select); coding-DNA position 683, T replaced by C.
Protein change: p.Leu228Ser; replaces leucine 228 with serine.
Molecular consequence: missense variant.
Genome position (GRCh38, 1-based): chr17:65,557,938, A>G on the plus strand (T>C on the coding strand, the complement: AXIN2 is on the minus strand). VCF-style: chr17-65557938-A-G. GRCh37 (hg19) VCF-style: chr17-63554056-A-G.
Other names: c.683T>C, p.Leu228Ser (NM_001363813.1); short protein forms L228S.
Identifiers: ClinVar variation 1393793 (VCV001393793.6), dbSNP rs2144583106, ClinGen allele CA400680500.

ClinVar aggregate classification (germline): Uncertain significance (1 of 4 stars; one submission).

Conditions:
Oligodontia-cancer predisposition syndrome. Also called: TOOTH AGENESIS-COLORECTAL CANCER SYNDROME. Identifiers: Orphanet 300576, MedGen C1837750, MONDO:0012075, OMIM 608615. Disease mechanism: loss of function.

Submission:

Labcorp Genetics (formerly Invitae), Labcorp
Classification: Uncertain significance for Oligodontia-cancer predisposition syndrome. Last evaluated: 2021-11-17. Review status: criteria provided, single submitter. Criteria: Invitae Variant Classification Sherloc (09022015). Collection method: clinical testing. Allele origin: germline.
Comment: This variant has not been reported in the literature in individuals affected with AXIN2-related conditions. In summary, the available evidence is currently insufficient to determine the role of this variant in disease. Therefore, it has been classified as a Variant of Uncertain Significance. Algorithms developed to predict the effect of missense changes on protein structure and function (SIFT, PolyPhen-2, Align-GVGD) all suggest that this variant is likely to be disruptive. This variant is not present in population databases (gnomAD no frequency). This sequence change replaces leucine, which is neutral and non-polar, with serine, which is neutral and polar, at codon 228 of the AXIN2 protein (p.Leu228Ser).